The following is an entry in ClinVar:

ClinVar aggregate classification (germline): Uncertain significance (1 of 4 stars; one submission).

Submission:

Labcorp Genetics (formerly Invitae), Labcorp
Classification: Uncertain significance. Last evaluated: 2022-10-03. Review status: criteria provided, single submitter. Criteria: Invitae Variant Classification Sherloc (09022015). Collection method: clinical testing. Allele origin: germline.
Comment: This variant is not present in population databases (gnomAD no frequency). This sequence change replaces valine, which is neutral and non-polar, with leucine, which is neutral and non-polar, at codon 1665 of the MCM3AP protein (p.Val1665Leu). This variant has not been reported in the literature in individuals affected with MCM3AP-related conditions. In summary, the available evidence is currently insufficient to determine the role of this variant in disease. Therefore, it has been classified as a Variant of Uncertain Significance. Algorithms developed to predict the effect of missense changes on protein structure and function are either unavailable or do not agree on the potential impact of this missense change (SIFT: "Deleterious"; PolyPhen-2: "Benign"; Align-GVGD: "Class C0").

NM_003906.5(MCM3AP):c.4993G>C (p.Val1665Leu)

Genes: MCM3AP (minichromosome maintenance complex component 3 associated protein; minus strand), MCM3AP-AS1 (MCM3AP antisense RNA 1; plus strand). Cytogenetic location: 21q22.3.
Variant type: single nucleotide variant.
Coding change: c.4993G>C on transcript NM_003906.5 (MANE Select); coding-DNA position 4993, G replaced by C.
Protein change: p.Val1665Leu; replaces valine 1665 with leucine.
Molecular consequence: missense variant.
Genome position (GRCh38, 1-based): chr21:46,244,852, C>G on the plus strand (G>C on the coding strand, the complement: MCM3AP is on the minus strand). VCF-style: chr21-46244852-C-G. GRCh37 (hg19) VCF-style: chr21-47664766-C-G.
Other names: short protein forms V1665L.
Identifiers: ClinVar variation 1995960 (VCV001995960.4), dbSNP rs2517317484, ClinGen allele CA410542628.